The following is an entry in ClinVar:

ClinVar aggregate classification (germline): Uncertain significance. Review status: criteria provided, multiple submitters, no conflicts (2 of 4 stars). 3 submissions from 3 submitters: Uncertain significance (3). Last evaluated 2025-11-23.

Conditions:
DICER1-related tumor predisposition. Also called: DICER1-related pleuropulmonary blastoma cancer predisposition syndrome; DICER1 syndrome. Identifiers: Orphanet 284343, MedGen C3839822, MONDO:0100216.
Hereditary cancer-predisposing syndrome. Also called: Tumor predisposition; Neoplastic Syndromes, Hereditary; Hereditary Cancer Syndrome; Hereditary neoplastic syndrome. Identifiers: Orphanet 140162, MedGen C0027672, MeSH D009386, MONDO:0015356.

Allele frequency attached by ClinVar (database versions not stated): TOPMed below 0.00001.
gnomAD v4.1: 4 of 1,613,638 alleles (0.00025%); highest among the groups gnomAD compares: Non-Finnish European, 0.00034%; no homozygotes.

Submissions (3):

Labcorp Genetics (formerly Invitae), Labcorp
Classification: Uncertain significance for DICER1-related tumor predisposition. Last evaluated: 2025-11-23. Review status: criteria provided, single submitter. Criteria: Invitae Variant Classification Sherloc (09022015). Collection method: clinical testing. Allele origin: germline.
Comment: This sequence change replaces arginine, which is basic and polar, with proline, which is neutral and non-polar, at codon 676 of the DICER1 protein (p.Arg676Pro). This variant is not present in population databases (gnomAD no frequency). This variant has not been reported in the literature in individuals affected with DICER1-related conditions. ClinVar contains an entry for this variant (Variation ID: 477083). Invitae Evidence Modeling of protein sequence and biophysical properties (such as structural, functional, and spatial information, amino acid conservation, physicochemical variation, residue mobility, and thermodynamic stability) has been performed for this missense variant. However, the output from this modeling did not meet the statistical confidence thresholds required to predict the impact of this variant on DICER1 protein function. In summary, the available evidence is currently insufficient to determine the role of this variant in disease. Therefore, it has been classified as a Variant of Uncertain Significance.

Ambry Genetics
Classification: Uncertain significance for Hereditary cancer-predisposing syndrome. Last evaluated: 2024-04-22. Review status: criteria provided, single submitter. Criteria: Ambry Variant Classification Scheme 2023. Collection method: clinical testing. Allele origin: germline.
Comment: The p.R676P variant (also known as c.2027G>C), located in coding exon 11 of the DICER1 gene, results from a G to C substitution at nucleotide position 2027. The arginine at codon 676 is replaced by proline, an amino acid with dissimilar properties. This amino acid position is highly conserved in available vertebrate species. In addition, this alteration is predicted to be deleterious by in silico analysis. Since supporting evidence is limited at this time, the clinical significance of this alteration remains unclear.

Sema4
Classification: Uncertain significance for Hereditary cancer-predisposing syndrome. Last evaluated: 2021-07-27. Review status: criteria provided, single submitter. Criteria: Sema4 Curation Guidelines. Collection method: curation. Allele origin: germline.
Comment: To the best of our knowledge, the DICER1 c.2027G>C (p.R676P) variant has not been reported in individuals with DICER1-related disease. It was not observed in the large and broad cohorts of the Genome Aggregation Database. The variant has been reported in ClinVar (Variation ID 477083). Functional studies have not been performed, and in silico predictions of the variant's effect on protein function are inconclusive. The evidence is insufficient to meet ACMG/AMP criteria for classifying the variant as benign or pathogenic. Thus, the clinical significance of this variant is currently uncertain.

NM_177438.3(DICER1):c.2027G>C (p.Arg676Pro)

Gene: DICER1 (dicer 1, ribonuclease III; minus strand). Cytogenetic location: 14q32.13.
Variant type: single nucleotide variant.
Coding change: c.2027G>C on transcript NM_177438.3 (MANE Select); coding-DNA position 2027, G replaced by C.
Protein change: p.Arg676Pro; replaces arginine 676 with proline.
Molecular consequence: missense variant.
Genome position (GRCh38, 1-based): chr14:95,113,105, C>G on the plus strand (G>C on the coding strand, the complement: DICER1 is on the minus strand). VCF-style: chr14-95113105-C-G. GRCh37 (hg19) VCF-style: chr14-95579442-C-G.
Other names: c.2027G>C, p.Arg676Pro (NM_001195573.1, NM_001271282.3, NM_001291628.2 and 1 more transcripts); short protein forms R676P.
Identifiers: ClinVar variation 477083 (VCV000477083.15), dbSNP rs892971080, ClinGen allele CA265913341.